The following is an entry in ClinVar:

ClinVar aggregate classification (germline): Benign (1 of 4 stars; one submission).

Allele frequency attached by ClinVar (database versions not stated): 1000 Genomes Project 0.00020; gnomAD 0.00096; TOPMed 0.00097; gnomAD exomes 0.00105.
gnomAD v4.1: 399 of 393,168 alleles (0.1%); highest among the groups gnomAD compares: Non-Finnish European, 0.15%; no homozygotes.

Submission:

CeGaT Center for Human Genetics Tuebingen
Classification: Benign. Last evaluated: 2026-02-01. Review status: criteria provided, single submitter. Criteria: CeGaT Center For Human Genetics Tuebingen Variant Classification Criteria Version 2. Collection method: clinical testing. Allele origin: germline. Affected: yes. Observed: 5 variant alleles.
Comment: KCNQ1OT1: BS1, BS2

NM_000218.3(KCNQ1):c.1394-1865C>T

Genes: KCNQ1 (potassium voltage-gated channel subfamily Q member 1; plus strand), KCNQ1OT1 (KCNQ1 opposite strand/antisense transcript 1; minus strand). Cytogenetic location: 11p15.5.
Variant type: single nucleotide variant.
Coding change: c.1394-1865C>T on transcript NM_000218.3 (MANE Select); 1865 bases into the intron before coding-DNA position 1394, C replaced by T.
Molecular consequence: intron variant. On other transcripts: non-coding transcript variant (1).
Genome position (GRCh38, 1-based): chr11:2,660,096, C>T. VCF-style: chr11-2660096-C-T. GRCh37 (hg19) VCF-style: chr11-2681326-C-T.
Other names: c.1124-1865C>T (NM_001406837.1); c.1298-1865C>T (NM_001406836.1); c.854-1865C>T (NM_001406838.1); c.1013-1865C>T (NM_181798.2).
Identifiers: ClinVar variation 2641445 (VCV002641445.24), dbSNP rs545049045, ClinGen allele CA216169103.